The following is an entry in ClinVar:

NM_020458.4(TTC7A):c.620C>T (p.Ala207Val)

Genes: TTC7A (tetratricopeptide repeat domain 7A; plus strand), LOC126806211 (CDK7 strongly-dependent group 2 enhancer GRCh37_chr2:47201305-47202504; plus strand). Cytogenetic location: 2p21.
Variant type: single nucleotide variant.
Coding change: c.620C>T on transcript NM_020458.4 (MANE Select); coding-DNA position 620, C replaced by T.
Protein change: p.Ala207Val; replaces alanine 207 with valine.
Molecular consequence: missense variant. On other transcripts: 5 prime UTR variant (1).
Genome position (GRCh38, 1-based): chr2:46,975,075, C>T. VCF-style: chr2-46975075-C-T. GRCh37 (hg19) VCF-style: chr2-47202214-C-T.
Other names: c.620C>T, p.Ala207Val (NM_001288951.2); c.518C>T, p.Ala173Val (NM_001288953.2); c.-285C>T (NM_001288955.2); c.620C>T (NM_020458.2); short protein forms A207V, A173V.
Identifiers: ClinVar variation 1366837 (VCV001366837.5), dbSNP rs778981167, ClinGen allele CA1647272.
Genomic context (GRCh38, chr2:46,975,075, plus strand): 5'-TCCGCCTGACAGAGAGGGAGGAGGAAGTGATCACCTGTTTTGAGAGGGCCTCCTGGATCG[C>T]TCAGGTGTTCCTGCAGGAATTGGAGAAGGTGAGCTGGAAATAACACCGTGGTAGGAGCTG-3'
Protein context (NP_065191.2, residues 197-217): ITCFERASWI[Ala207Val]QVFLQELEKT

ClinVar aggregate classification (germline): Uncertain significance. Review status: criteria provided, multiple submitters, no conflicts (2 of 4 stars). 2 submissions from 2 submitters: Uncertain significance (2). Last evaluated 2023-03-06.

Conditions:
Inborn genetic diseases. Identifiers: MedGen C0950123, MeSH D030342.
Multiple gastrointestinal atresias. Also called: Multiple intestinal atresia; FAMILIAL INTESTINAL POLYATRESIA SYNDROME. Identifiers: Orphanet 2300, MedGen C0220744, MONDO:0009465.

Allele frequency attached by ClinVar (database versions not stated): ExAC 0.00003; gnomAD 0.00003 and 0.00004; gnomAD exomes 0.00005.
gnomAD v4.1: 30 of 1,613,818 alleles (0.0019%); highest among the groups gnomAD compares: Non-Finnish European, 0.0012%; no homozygotes.

Submissions (2):

Ambry Genetics
Classification: Uncertain significance for Inborn genetic diseases. Last evaluated: 2023-03-06. Review status: criteria provided, single submitter. Criteria: Ambry Variant Classification Scheme 2023. Collection method: clinical testing. Allele origin: germline.

Labcorp Genetics (formerly Invitae), Labcorp
Classification: Uncertain significance for Multiple gastrointestinal atresias. Last evaluated: 2022-09-19. Review status: criteria provided, single submitter. Criteria: Invitae Variant Classification Sherloc (09022015). Collection method: clinical testing. Allele origin: germline.
Comment: This sequence change replaces alanine, which is neutral and non-polar, with valine, which is neutral and non-polar, at codon 207 of the TTC7A protein (p.Ala207Val). This variant is present in population databases (rs778981167, gnomAD 0.03%). This variant has not been reported in the literature in individuals affected with TTC7A-related conditions. ClinVar contains an entry for this variant (Variation ID: 1366837). Advanced modeling of protein sequence and biophysical properties (such as structural, functional, and spatial information, amino acid conservation, physicochemical variation, residue mobility, and thermodynamic stability) performed at Invitae indicates that this missense variant is not expected to disrupt TTC7A protein function. In summary, the available evidence is currently insufficient to determine the role of this variant in disease. Therefore, it has been classified as a Variant of Uncertain Significance.